The following is an entry in ClinVar:

NM_000338.3(SLC12A1):c.381C>T (p.Asn127=)

Gene: SLC12A1 (solute carrier family 12 member 1; plus strand). Cytogenetic location: 15q21.1.
Variant type: single nucleotide variant.
Coding change: c.381C>T on transcript NM_000338.3 (MANE Select); coding-DNA position 381, C replaced by T.
Protein change: p.Asn127=; no amino-acid change (asparagine 127 retained).
Molecular consequence: synonymous variant.
Genome position (GRCh38, 1-based): chr15:48,208,100, C>T. VCF-style: chr15-48208100-C-T. GRCh37 (hg19) VCF-style: chr15-48500297-C-T.
Other names: c.381C>T, p.Asn127= (NM_001184832.2).
Identifiers: ClinVar variation 316254 (VCV000316254.15), dbSNP rs370459859, ClinGen allele CA7546737.

ClinVar aggregate classification (germline): Conflicting classifications of pathogenicity. Review status: criteria provided, conflicting classifications (1 of 4 stars). 4 submissions from 4 submitters: Uncertain significance (1); Likely benign (2). 1 of the submissions does not count toward it. Last evaluated 2025-06-12.

Conditions:
Bartter disease type 1. Also called: HYPERPROSTAGLANDIN E SYNDROME 1; Bartter syndrome, type 1, antenatal; Bartter Syndrome type 1; HYPOKALEMIC ALKALOSIS WITH HYPERCALCIURIA 1, ANTENATAL. Identifiers: Orphanet 112, Orphanet 620217, MedGen C1866495, MONDO:0100344, OMIM 601678, MONDO:0011127.
SLC12A1-related disorder. Also called: SLC12A1-related condition.

Allele frequency attached by ClinVar (database versions not stated): ESP Exome Variant Server 0.00008; gnomAD exomes 0.00009 and 0.00013; TOPMed 0.00012; gnomAD 0.00013; ExAC 0.00014.
gnomAD v4.1: 196 of 1,602,416 alleles (0.012%); highest among the groups gnomAD compares: Non-Finnish European, 0.016%; no homozygotes.

Submissions (4):

Labcorp Genetics (formerly Invitae), Labcorp
Classification: Likely benign. Last evaluated: 2025-06-12. Review status: criteria provided, single submitter. Criteria: Invitae Variant Classification Sherloc (09022015). Collection method: clinical testing. Allele origin: germline.

Blueprint Genetics
Classification: Likely benign. Last evaluated: 2024-08-27. Review status: criteria provided, single submitter. Criteria: ACMG Guidelines, 2015. Collection method: clinical testing. Allele origin: germline.

Illumina Laboratory Services, Illumina
Classification: Uncertain significance for Bartter disease type 1. Last evaluated: 2018-01-13. Review status: criteria provided, single submitter. Criteria: ICSL Variant Classification Criteria 13 December 2019. Collection method: clinical testing. Allele origin: germline.

PreventionGenetics, part of Exact Sciences
Classification: Likely benign for SLC12A1-related condition. Last evaluated: 2019-05-23. Review status: no assertion criteria provided. Collection method: clinical testing. Allele origin: germline. Not counted in ClinVar's aggregate classification.
Comment: This variant is classified as likely benign based on ACMG/AMP sequence variant interpretation guidelines (Richards et al. 2015 PMID: 25741868, with internal and published modifications).